The following is an entry in ClinVar:

NM_001458.5(FLNC):c.6362-1G>T

Genes: FLNC-AS1 (FLNC antisense RNA 1; minus strand), FLNC (filamin C; plus strand). Cytogenetic location: 7q32.1.
Variant type: single nucleotide variant.
Coding change: c.6362-1G>T on transcript NM_001458.5 (MANE Select); the canonical splice acceptor site of the intron before coding-DNA position 6362, G replaced by T.
Molecular consequence: splice acceptor variant.
Genome position (GRCh38, 1-based): chr7:128,853,714, G>T. VCF-style: chr7-128853714-G-T. GRCh37 (hg19) VCF-style: chr7-128493768-G-T.
Other names: c.6263-1G>T (NM_001127487.2).
Identifiers: ClinVar variation 955519 (VCV000955519.8), dbSNP rs1808924231, ClinGen allele CA369212380.

ClinVar aggregate classification (germline): Likely pathogenic (1 of 4 stars; one submission).

Conditions:
Hypertrophic cardiomyopathy 26. Also called: Cardiomyopathy, familial hypertrophic, 26. Identifiers: Orphanet 75249, MedGen C4310749, MONDO:0014883, OMIM 617047.
Myofibrillar myopathy 5. Also called: FILAMINOPATHY, AUTOSOMAL DOMINANT; Filaminopathy (type). Identifiers: Orphanet 171445, MedGen C1836050, MONDO:0012289, OMIM 609524.
Distal myopathy with posterior leg and anterior hand involvement. Also called: WILLIAMS DISTAL MYOPATHY. Identifiers: Orphanet 63273, MedGen C3279722, MONDO:0013550, OMIM 614065.

Submission:

Labcorp Genetics (formerly Invitae), Labcorp
Classification: Likely pathogenic for Distal myopathy with posterior leg and anterior hand involvement; Myofibrillar myopathy 5; Hypertrophic cardiomyopathy 26. Last evaluated: 2024-08-29. Review status: criteria provided, single submitter. Criteria: Invitae Variant Classification Sherloc (09022015). Collection method: clinical testing. Allele origin: germline.
Comment: This sequence change affects an acceptor splice site in intron 38 of the FLNC gene. It is expected to disrupt RNA splicing. Variants that disrupt the donor or acceptor splice site typically lead to a loss of protein function (PMID: 16199547), and loss-of-function variants in FLNC are known to be pathogenic (PMID: 27908349). This variant is not present in population databases (gnomAD no frequency). This variant has not been reported in the literature in individuals affected with FLNC-related conditions. ClinVar contains an entry for this variant (Variation ID: 955519). Algorithms developed to predict the effect of sequence changes on RNA splicing suggest that this variant may disrupt the consensus splice site. In summary, the currently available evidence indicates that the variant is pathogenic, but additional data are needed to prove that conclusively. Therefore, this variant has been classified as Likely Pathogenic.

Literature cited by the submitters: PubMed 16199547; PubMed 27908349.